The following is an entry in ClinVar:

ClinVar aggregate classification (germline): Benign (0 of 4 stars; one submission).

Conditions:
TNS1-related disorder. Also called: TNS1-related condition.

Allele frequency attached by ClinVar (database versions not stated): 1000 Genomes Project 0.53075; 1000 Genomes Project 30x 0.53576; ExAC 0.54262; TOPMed 0.57914; gnomAD 0.57929; gnomAD exomes 0.59275; ESP Exome Variant Server 0.59780.
gnomAD v4.1: 952,595 of 1,613,124 alleles (59%); highest among the groups gnomAD compares: Non-Finnish European, 62%; 285,346 homozygotes.

Submission:

PreventionGenetics, part of Exact Sciences
Classification: Benign for TNS1-related condition. Last evaluated: 2019-10-17. Review status: no assertion criteria provided. Collection method: clinical testing. Allele origin: germline.
Comment: This variant is classified as benign based on ACMG/AMP sequence variant interpretation guidelines (Richards et al. 2015 PMID: 25741868, with internal and published modifications).

NM_001387777.1(TNS1):c.1365C>T (p.Ser455=)

Gene: TNS1 (tensin 1; minus strand). Cytogenetic location: 2q35.
Variant type: single nucleotide variant.
Coding change: c.1365C>T on transcript NM_001387777.1 (MANE Select); coding-DNA position 1365, C replaced by T.
Protein change: p.Ser455=; no amino-acid change (serine 455 retained).
Molecular consequence: synonymous variant.
Genome position (GRCh38, 1-based): chr2:217,880,962, G>A on the plus strand (C>T on the coding strand, the complement: TNS1 is on the minus strand). VCF-style: chr2-217880962-G-A. GRCh37 (hg19) VCF-style: chr2-218745685-G-A.
Other names: c.990C>T, p.Ser330= (NM_001308022.2, NM_001308023.2, NM_022648.7).
Identifiers: ClinVar variation 3059811 (VCV003059811.2), dbSNP rs10199795, ClinGen allele CA2100538.
Genomic context (GRCh38, chr2:217,880,962, plus strand): 5'-CATGCCGTCATCTCGATGCCCACTGAAGTTGTCGTAGGAGTCCCAGCGGATGAGGGGGTC[G>A]GAGGTGTTATAGTCCACAGACACGCTCGGCCCGTTCTCCAGGTGCTCCATGCCTAAGTGG-3'
Protein context (NP_001374706.1, residues 445-465): GPSVSVDYNT[Ser455=]DPLIRWDSYD